The following is an entry in ClinVar:

ClinVar aggregate classification (germline): Uncertain significance (1 of 4 stars; one submission).

Conditions:
Hereditary cancer-predisposing syndrome. Also called: Neoplastic Syndromes, Hereditary; Tumor predisposition; Hereditary neoplastic syndrome; Hereditary Cancer Syndrome. Identifiers: Orphanet 140162, MedGen C0027672, MeSH D009386, MONDO:0015356.

Submission:

Ambry Genetics
Classification: Uncertain significance for Hereditary cancer-predisposing syndrome. Last evaluated: 2022-12-05. Review status: criteria provided, single submitter. Criteria: Ambry Variant Classification Scheme 2023. Collection method: clinical testing. Allele origin: germline.
Comment: The p.K604T variant (also known as c.1811A>C), located in coding exon 9 of the MEN1 gene, results from an A to C substitution at nucleotide position 1811. The lysine at codon 604 is replaced by threonine, an amino acid with similar properties. This amino acid position is conserved. In addition, this alteration is predicted to be deleterious by in silico analysis. Since supporting evidence is limited at this time, the clinical significance of this alteration remains unclear.

NM_001370259.2(MEN1):c.1811A>C (p.Lys604Thr)

Gene: MEN1 (menin 1; minus strand). Cytogenetic location: 11q13.1.
Variant type: single nucleotide variant.
Coding change: c.1811A>C on transcript NM_001370259.2 (MANE Select); coding-DNA position 1811, A replaced by C.
Protein change: p.Lys604Thr; replaces lysine 604 with threonine.
Molecular consequence: missense variant. On other transcripts: non-coding transcript variant (4).
Genome position (GRCh38, 1-based): chr11:64,804,356, T>G on the plus strand (A>C on the coding strand, the complement: MEN1 is on the minus strand). VCF-style: chr11-64804356-T-G. GRCh37 (hg19) VCF-style: chr11-64571828-T-G.
Other names: c.1826A>C, p.Lys609Thr (NM_000244.4, NM_001407145.1, NM_130800.3 and 4 more transcripts); c.1937A>C, p.Lys646Thr (NM_001370251.2, NM_001407142.1, NM_001407143.1 and 1 more transcripts); c.1811A>C, p.Lys604Thr (NM_001370260.2, NM_001370261.2, NM_001407146.1 and 2 more transcripts); c.1706A>C, p.Lys569Thr (NM_001370262.2, NM_001370263.2, NM_001407148.1 and 1 more transcripts); c.1952A>C, p.Lys651Thr (NM_001407150.1); c.1832A>C, p.Lys611Thr (NM_001407151.1); c.1646A>C, p.Lys549Thr (NM_001407152.1); short protein forms K604T, K569T, K611T, K609T, K549T, K646T, K651T.
Identifiers: ClinVar variation 2450216 (VCV002450216.2), dbSNP rs2497098644, ClinGen allele CA381177101.